The following is an entry in ClinVar:

NM_007344.4(TTF1):c.807T>C (p.Pro269=)

Gene: TTF1 (transcription termination factor 1; minus strand). Cytogenetic location: 9q34.13.
Variant type: single nucleotide variant.
Coding change: c.807T>C on transcript NM_007344.4 (MANE Select); coding-DNA position 807, T replaced by C.
Protein change: p.Pro269=; no amino-acid change (proline 269 retained).
Molecular consequence: synonymous variant. On other transcripts: non-coding transcript variant (1), intron variant (1).
Genome position (GRCh38, 1-based): chr9:132,402,015, A>G on the plus strand (T>C on the coding strand, the complement: TTF1 is on the minus strand). VCF-style: chr9-132402015-A-G. GRCh37 (hg19) VCF-style: chr9-135277402-A-G.
Other names: c.-178-1757T>C (NM_001205296.2).
Identifiers: ClinVar variation 2659657 (VCV002659657.24), dbSNP rs200649563, ClinGen allele CA5298702.

ClinVar aggregate classification (germline): Likely benign (1 of 4 stars; one submission).

Allele frequency attached by ClinVar (database versions not stated): ExAC 0.00007; ESP Exome Variant Server 0.00008; TOPMed 0.00013; 1000 Genomes Project 30x 0.00016; gnomAD 0.00017; gnomAD exomes 0.00022.
gnomAD v4.1: 340 of 1,613,460 alleles (0.021%); highest among the groups gnomAD compares: Non-Finnish European, 0.026%; no homozygotes.

Submission:

CeGaT Center for Human Genetics Tuebingen
Classification: Likely benign. Last evaluated: 2022-08-01. Review status: criteria provided, single submitter. Criteria: CeGaT Center For Human Genetics Tuebingen Variant Classification Criteria Version 2. Collection method: clinical testing. Allele origin: germline. Affected: yes. Observed: 1 variant allele.
Comment: TTF1: BP4, BP7